The following is an entry in ClinVar:

NM_177438.3(DICER1):c.4206+9_4206+27del

Gene: DICER1 (dicer 1, ribonuclease III; minus strand). Cytogenetic location: 14q32.13.
Variant type: Deletion.
Coding change: c.4206+9_4206+27del on transcript NM_177438.3 (MANE Select); bases 9 to 27 of the intron after coding-DNA position 4206, 19 bases deleted (GTGTGTGTGTGTGTGTGTG).
Molecular consequence: intron variant.
Genome position (GRCh38, 1-based): chr14:95,099,753-95,099,771, CACACACACACACACACAC deleted on the plus strand (GTGTGTGTGTGTGTGTGTG on the coding strand, the reverse complement: DICER1 is on the minus strand). VCF-style (leftmost placement, unchanged base first): chr14-95099752-ACACACACACACACACACAC-A. GRCh37 (hg19) VCF-style: chr14-95566089-ACACACACACACACACACAC-A.
Other names: p.?; c.4206+9_4206+27delGTGTGTGTGTGTGTGTGTG (NM_177438.2); c.4206+9_4206+27del (NM_001291628.2, NM_030621.4, NM_001271282.3 and 1 more transcripts).
Identifiers: ClinVar variation 477189 (VCV000477189.16), dbSNP rs775736832, ClinGen allele CA7330895.
Genomic context (GRCh38, chr14:95,099,752, plus strand): 5'-ACAAATTATTTGGCTCACCGAAAAGTAAATCCCTCCAGTTACACACACACACACACACAC[ACACACACACACACACACAC>A]AAACTTACCATTTCATCTTTTTCCCATTTATCTGTGTTGCTTTTGTCTTGATTTACTACA-3'

ClinVar aggregate classification (germline): Benign/Likely benign. Review status: criteria provided, multiple submitters, no conflicts (2 of 4 stars). 6 submissions from 6 submitters: Benign (3); Likely benign (3). Last evaluated 2025-12-29.

Conditions:
DICER1-related tumor predisposition. Also called: DICER1 syndrome; DICER1-related pleuropulmonary blastoma cancer predisposition syndrome. Identifiers: Orphanet 284343, MedGen C3839822, MONDO:0100216.

Allele frequency attached by ClinVar (database versions not stated): gnomAD exomes 0.00047 and 0.00101; ExAC 0.00199; gnomAD 0.00542 and 0.00586; 1000 Genomes Project 30x 0.00640.

Submissions (6):

Center for Genomic Medicine, Rigshospitalet, Copenhagen University Hospital
Classification: Likely benign. Last evaluated: 2025-12-29. Review status: criteria provided, single submitter. Criteria: ACMG Guidelines, 2015. Collection method: clinical testing. Allele origin: germline.

Labcorp Genetics (formerly Invitae), Labcorp
Classification: Benign for DICER1-related tumor predisposition. Last evaluated: 2025-08-07. Review status: criteria provided, single submitter. Criteria: Invitae Variant Classification Sherloc (09022015). Collection method: clinical testing. Allele origin: germline.

Blueprint Genetics
Classification: Likely benign. Last evaluated: 2024-11-25. Review status: criteria provided, single submitter. Criteria: ACMG Guidelines, 2015. Collection method: clinical testing. Allele origin: germline.

Mayo Clinic Laboratories, Mayo Clinic
Classification: Benign. Last evaluated: 2023-12-12. Review status: criteria provided, single submitter. Criteria: ACMG Guidelines, 2015. Collection method: clinical testing. Allele origin: germline. Observed: 2 variant alleles.
Comment: BA1, BS2, BP4, BP7

Quest Diagnostics Nichols Institute San Juan Capistrano
Classification: Benign. Last evaluated: 2021-06-22. Review status: criteria provided, single submitter. Criteria: Quest Diagnostics criteria. Collection method: clinical testing. Allele origin: unknown.

GeneDx
Classification: Likely benign. Last evaluated: 2020-04-01. Review status: criteria provided, single submitter. Criteria: GeneDx Variant Classification Process June 2021. Collection method: clinical testing. Allele origin: germline. Affected: yes.
Comment: See Variant Classification Assertion Criteria.